The following is an entry in ClinVar:

ClinVar aggregate classification (germline): Uncertain significance (1 of 4 stars; one submission).

Conditions:
Tuberous sclerosis 2 (TSC2). Identifiers: Orphanet 805, MedGen C1860707, MONDO:0013199, OMIM 613254.

Submission:

Labcorp Genetics (formerly Invitae), Labcorp
Classification: Uncertain significance for Tuberous sclerosis 2. Last evaluated: 2025-05-01. Review status: criteria provided, single submitter. Criteria: Invitae Variant Classification Sherloc (09022015). Collection method: clinical testing. Allele origin: germline.
Comment: This sequence change replaces glutamine, which is neutral and polar, with leucine, which is neutral and non-polar, at codon 1119 of the TSC2 protein (p.Gln1119Leu). This variant is not present in population databases (gnomAD no frequency). This variant has not been reported in the literature in individuals affected with TSC2-related conditions. Invitae Evidence Modeling of protein sequence and biophysical properties (such as structural, functional, and spatial information, amino acid conservation, physicochemical variation, residue mobility, and thermodynamic stability) indicates that this missense variant is not expected to disrupt TSC2 protein function with a negative predictive value of 95%. In summary, the available evidence is currently insufficient to determine the role of this variant in disease. Therefore, it has been classified as a Variant of Uncertain Significance.

NM_000548.5(TSC2):c.3356A>T (p.Gln1119Leu)

Gene: TSC2 (TSC complex subunit 2; plus strand). Cytogenetic location: 16p13.3.
Variant type: single nucleotide variant.
Coding change: c.3356A>T on transcript NM_000548.5 (MANE Select); coding-DNA position 3356, A replaced by T.
Protein change: p.Gln1119Leu; replaces glutamine 1119 with leucine.
Molecular consequence: missense variant. On other transcripts: non-coding transcript variant (5).
Genome position (GRCh38, 1-based): chr16:2,079,628, A>T. VCF-style: chr16-2079628-A-T. GRCh37 (hg19) VCF-style: chr16-2129629-A-T.
Other names: c.3224A>T, p.Gln1075Leu (NM_001077183.3, NM_001370404.1, NM_001406665.1); c.3356A>T, p.Gln1119Leu (NM_001114382.3); c.3116A>T, p.Gln1039Leu (NM_001318827.2); c.3080A>T, p.Gln1027Leu (NM_001318829.2); c.2624A>T, p.Gln875Leu (NM_001318831.2, NM_001406687.1, NM_001406688.1); c.3257A>T, p.Gln1086Leu (NM_001318832.2); c.3227A>T, p.Gln1076Leu (NM_001363528.2, NM_001370405.1, NM_021055.3); c.3353A>T, p.Gln1118Leu (NM_001406663.1, NM_001406664.1); and 18 more; short protein forms Q1026L, Q1027L, Q1038L, Q1039L, Q1056L, Q1069L, Q1070L, Q1071L.
Identifiers: ClinVar variation 4802874 (VCV004802874.1).